The following is an entry in ClinVar:

ClinVar aggregate classification (germline): Likely benign. Review status: criteria provided, single submitter (1 of 4 stars). 2 submissions from 2 submitters: Likely benign (1). 1 of the submissions does not count toward it. Last evaluated 2026-04-01.

Conditions:
DAGLA-related disorder. Also called: DAGLA-related condition.

Allele frequency attached by ClinVar (database versions not stated): ESP Exome Variant Server 0.00008; ExAC 0.00013; gnomAD 0.00015; TOPMed 0.00015; 1000 Genomes Project 30x 0.00016; 1000 Genomes Project 0.00020; gnomAD exomes 0.00023.
gnomAD v4.1: 369 of 1,612,556 alleles (0.023%); highest among the groups gnomAD compares: Non-Finnish European, 0.029%; 1 homozygote.

Submissions (2):

CeGaT Center for Human Genetics Tuebingen
Classification: Likely benign. Last evaluated: 2026-04-01. Review status: criteria provided, single submitter. Criteria: CeGaT Center For Human Genetics Tuebingen Variant Classification Criteria Version 2. Collection method: clinical testing. Allele origin: germline. Affected: yes. Observed: 1 variant allele.
Comment: DAGLA: BP4, BP7

PreventionGenetics, part of Exact Sciences
Classification: Likely benign for DAGLA-related condition. Last evaluated: 2019-03-01. Review status: no assertion criteria provided. Collection method: clinical testing. Allele origin: germline. Not counted in ClinVar's aggregate classification.
Comment: This variant is classified as likely benign based on ACMG/AMP sequence variant interpretation guidelines (Richards et al. 2015 PMID: 25741868, with internal and published modifications).

NM_006133.3(DAGLA):c.2484C>T (p.Pro828=)

Gene: DAGLA (diacylglycerol lipase alpha; plus strand). Cytogenetic location: 11q12.2.
Variant type: single nucleotide variant.
Coding change: c.2484C>T on transcript NM_006133.3 (MANE Select); coding-DNA position 2484, C replaced by T.
Protein change: p.Pro828=; no amino-acid change (proline 828 retained).
Molecular consequence: synonymous variant.
Genome position (GRCh38, 1-based): chr11:61,743,844, C>T. VCF-style: chr11-61743844-C-T. GRCh37 (hg19) VCF-style: chr11-61511316-C-T.
Identifiers: ClinVar variation 3040997 (VCV003040997.4), dbSNP rs373810848, ClinGen allele CA6037200.